The following is an entry in ClinVar:

NM_176787.5(PIGN):c.1976G>A (p.Ser659Asn)

Gene: PIGN (phosphatidylinositol glycan anchor biosynthesis class N; minus strand). Cytogenetic location: 18q21.33.
Variant type: single nucleotide variant.
Coding change: c.1976G>A on transcript NM_176787.5 (MANE Select); coding-DNA position 1976, G replaced by A.
Protein change: p.Ser659Asn; replaces serine 659 with asparagine.
Molecular consequence: missense variant.
Genome position (GRCh38, 1-based): chr18:62,101,176, C>T on the plus strand (G>A on the coding strand, the complement: PIGN is on the minus strand). VCF-style: chr18-62101176-C-T. GRCh37 (hg19) VCF-style: chr18-59768409-C-T.
Other names: c.1976G>A, p.Ser659Asn (NM_012327.6); short protein forms S659N.
Identifiers: ClinVar variation 3383777 (VCV003383777.1).

ClinVar aggregate classification (germline): Uncertain significance (1 of 4 stars; one submission).

gnomAD v4.1: 2 of 1,584,056 alleles (0.00013%); highest among the groups gnomAD compares: Middle Eastern, 0.017%; no homozygotes.

Submission:

GeneDx
Classification: Uncertain significance. Last evaluated: 2024-06-02. Review status: criteria provided, single submitter. Criteria: GeneDx Variant Classification Process June 2021. Collection method: clinical testing. Allele origin: germline. Affected: yes.
Comment: Not observed at significant frequency in large population cohorts (gnomAD); In silico analysis indicates that this missense variant does not alter protein structure/function; Has not been previously published as pathogenic or benign to our knowledge